The following is an entry in ClinVar:

NM_001127222.2(CACNA1A):c.1668+519_1842del

Gene: CACNA1A (calcium voltage-gated channel subunit alpha1 A; minus strand). Cytogenetic location: 19p13.13.
Variant type: Deletion.
Coding change: c.1668+519_1842del on transcript NM_001127222.2 (MANE Select); 519 bases into the intron after coding-DNA position 1668 through coding-DNA position 1842, 3,960 bases deleted.
Molecular consequence: splice acceptor variant, splice donor variant.
Genome position (GRCh38, 1-based): chr19:13,308,191-13,312,150, 3,960 bases deleted. GRCh37 (hg19): chr19:13,419,005-13,422,964.
Other names: c.1671+519_1845del (NM_001127221.2, NM_001174080.2, NM_000068.4 and 1 more transcripts).
Identifiers: ClinVar variation 3359133 (VCV003359133.2).

ClinVar aggregate classification (germline): Pathogenic (1 of 4 stars; one submission).

Conditions:
Developmental and epileptic encephalopathy, 42 (DEE42A). Also called: DEVELOPMENTAL AND EPILEPTIC ENCEPHALOPATHY 42A; EPILEPTIC ENCEPHALOPATHY, EARLY INFANTILE, 42A; Epileptic encephalopathy, early infantile, 42. Identifiers: MedGen C4310716, MONDO:0014917, OMIM 617106.

Submission:

Institute of Human Genetics, University of Leipzig Medical Center
Classification: Pathogenic for Developmental and epileptic encephalopathy, 42. Last evaluated: 2023-11-30. Review status: criteria provided, single submitter. Criteria: ACMG Guidelines, 2015. Collection method: clinical testing. Allele origin: paternal. Inheritance: Autosomal dominant inheritance. Affected: yes.
Comment: Criteria applied: PVS1, PM2